The following is an entry in ClinVar:

ClinVar aggregate classification (germline): Conflicting classifications of pathogenicity. Review status: criteria provided, conflicting classifications (1 of 4 stars). 4 submissions from 4 submitters: Uncertain significance (3); Likely benign (1). Last evaluated 2024-11-05.

Conditions:
Hereditary cancer-predisposing syndrome. Also called: Neoplastic Syndromes, Hereditary; Tumor predisposition; Hereditary Cancer Syndrome; Hereditary neoplastic syndrome. Identifiers: Orphanet 140162, MedGen C0027672, MeSH D009386, MONDO:0015356.
Hereditary breast ovarian cancer syndrome. Also called: Hereditary breast and ovarian cancer; Hereditary breast and/or ovarian cancer syndrome; BRCA1- and BRCA2-Associated Hereditary Breast and Ovarian Cancer; Hereditary breast and ovarian cancer syndrome (HBOC); Hereditary breast and ovarian cancer syndrome; Breast and ovarian cancer. Identifiers: Orphanet 145, MedGen C0677776, MeSH D061325, MONDO:0003582. Disease mechanism: loss of function.

Submissions (4):

Labcorp Genetics (formerly Invitae), Labcorp
Classification: Uncertain significance for Hereditary breast ovarian cancer syndrome. Last evaluated: 2024-11-05. Review status: criteria provided, single submitter. Criteria: Invitae Variant Classification Sherloc (09022015). Collection method: clinical testing. Allele origin: germline.
Comment: This sequence change replaces valine, which is neutral and non-polar, with isoleucine, which is neutral and non-polar, at codon 1229 of the BRCA2 protein (p.Val1229Ile). This variant is not present in population databases (gnomAD no frequency). This variant has not been reported in the literature in individuals affected with BRCA2-related conditions. ClinVar contains an entry for this variant (Variation ID: 187187). Invitae Evidence Modeling of protein sequence and biophysical properties (such as structural, functional, and spatial information, amino acid conservation, physicochemical variation, residue mobility, and thermodynamic stability) indicates that this missense variant is not expected to disrupt BRCA2 protein function with a negative predictive value of 95%. In summary, the available evidence is currently insufficient to determine the role of this variant in disease. Therefore, it has been classified as a Variant of Uncertain Significance.

Ambry Genetics
Classification: Uncertain significance for Hereditary cancer-predisposing syndrome. Last evaluated: 2023-10-01. Review status: criteria provided, single submitter. Criteria: Ambry Variant Classification Scheme 2023. Collection method: clinical testing. Allele origin: germline.
Comment: The p.V1229I variant (also known as c.3685G>A), located in coding exon 10 of the BRCA2 gene, results from a G to A substitution at nucleotide position 3685. The valine at codon 1229 is replaced by isoleucine, an amino acid with highly similar properties. This amino acid position is not well conserved in available vertebrate species, with isoleucine as the reference amino acid in multiple species. In addition, the in silico prediction for this alteration is inconclusive. Since supporting evidence is limited at this time, the clinical significance of this alteration remains unclear.

University of Washington Department of Laboratory Medicine, University of Washington
Classification: Likely benign for Hereditary cancer-predisposing syndrome. Last evaluated: 2023-03-23. Review status: criteria provided, single submitter. Criteria: Dines et al. (Genet Med. 2020). Collection method: curation. Allele origin: germline.
Comment: Missense variant in a coldspot region where missense variants are very unlikely to be pathogenic (PMID:31911673).

BRCA2 exon 11 coldspot. Reclassification based on statistical prior probability.

GeneDx
Classification: Uncertain significance. Last evaluated: 2019-05-10. Review status: criteria provided, single submitter. Criteria: GeneDx Variant Classification Process June 2021. Collection method: clinical testing. Allele origin: germline. Affected: yes.
Comment: Not observed in large population cohorts (Lek et al., 2016); In silico analysis, which includes protein predictors and evolutionary conservation, supports that this variant does not alter protein structure/function; Has not been previously published as pathogenic or benign to our knowledge

NM_000059.4(BRCA2):c.3685G>A (p.Val1229Ile)

Gene: BRCA2 (BRCA2 DNA repair associated; plus strand). Cytogenetic location: 13q13.1.
Variant type: single nucleotide variant.
Coding change: c.3685G>A on transcript NM_000059.4 (MANE Select); coding-DNA position 3685, G replaced by A.
Protein change: p.Val1229Ile; replaces valine 1229 with isoleucine.
Molecular consequence: missense variant.
Genome position (GRCh38, 1-based): chr13:32,338,040, G>A. VCF-style: chr13-32338040-G-A. GRCh37 (hg19) VCF-style: chr13-32912177-G-A.
Other names: short protein forms V1229I.
Identifiers: ClinVar variation 187187 (VCV000187187.16), dbSNP rs786203538, ClinGen allele CA018583.